The following is an entry in ClinVar:

NM_004960.4(FUS):c.803C>G (p.Pro268Arg)

Gene: FUS (FUS RNA binding protein; plus strand). Cytogenetic location: 16p11.2.
Variant type: single nucleotide variant.
Coding change: c.803C>G on transcript NM_004960.4 (MANE Select); coding-DNA position 803, C replaced by G.
Protein change: p.Pro268Arg; replaces proline 268 with arginine.
Molecular consequence: missense variant. On other transcripts: non-coding transcript variant (1).
Genome position (GRCh38, 1-based): chr16:31,188,328, C>G. VCF-style: chr16-31188328-C-G. GRCh37 (hg19) VCF-style: chr16-31199649-C-G.
Other names: c.800C>G, p.Pro267Arg (NM_001170634.1); c.791C>G, p.Pro264Arg (NM_001170937.1); short protein forms P264R, P267R, P268R.
Identifiers: ClinVar variation 4851308 (VCV004851308.1).

ClinVar aggregate classification (germline): Uncertain significance (1 of 4 stars; one submission).

Conditions:
Tremor, hereditary essential, 4 (ETM4). Identifiers: MedGen C3539195, MONDO:0013888, OMIM 614782.

Submission:

Institute of Human Genetics, University of Goettingen
Classification: Uncertain significance for Tremor, hereditary essential, 4. Last evaluated: 2026-01-27. Review status: criteria provided, single submitter. Criteria: ACMG Guidelines, 2015. Collection method: clinical testing. Allele origin: unknown. Inheritance: Autosomal dominant inheritance. Affected: yes. Observed: 1 variant allele, 1 heterozygote.
Comment: The variant c.800C>G (p.(Pro267Arg)) in exon 8 of the FUS-gene is not found in the gnomAD database, it affects a moderately conserved nucleotide, and a highly conserved amino acid and there is a moderate physicochemical difference between Pro and Arg. This variant has a pathogenic computational verdict based on in silico prediction algorithms. ACMG criteria used for classification: PM2_sup, PP3